The following is an entry in ClinVar:

NM_201384.3(PLEC):c.10943C>T (p.Thr3648Met)

Gene: PLEC (plectin; minus strand). Cytogenetic location: 8q24.3.
Variant type: single nucleotide variant.
Coding change: c.10943C>T on transcript NM_201384.3 (MANE Select); coding-DNA position 10943, C replaced by T.
Protein change: p.Thr3648Met; replaces threonine 3648 with methionine.
Molecular consequence: missense variant.
Genome position (GRCh38, 1-based): chr8:143,918,878, G>A on the plus strand (C>T on the coding strand, the complement: PLEC is on the minus strand). VCF-style: chr8-143918878-G-A. GRCh37 (hg19) VCF-style: chr8-144993046-G-A.
Other names: c.11024C>T, p.Thr3675Met (NM_000445.5); c.10901C>T, p.Thr3634Met (NM_201378.4); c.10877C>T, p.Thr3626Met (NM_201379.3); c.11354C>T, p.Thr3785Met (NM_201380.4); c.10847C>T, p.Thr3616Met (NM_201381.3); c.10943C>T, p.Thr3648Met (NM_201382.4); c.10955C>T, p.Thr3652Met (NM_201383.3); c.11024C>T (NM_000445.4); short protein forms T3634M, T3616M, T3648M, T3785M, T3626M, T3675M, T3652M.
Identifiers: ClinVar variation 1429306 (VCV001429306.7), dbSNP rs540702524, ClinGen allele CA4924486.

ClinVar aggregate classification (germline): Uncertain significance. Review status: criteria provided, multiple submitters, no conflicts (2 of 4 stars). 2 submissions from 2 submitters: Uncertain significance (2). Last evaluated 2026-08-11.

Conditions:
Autosomal recessive limb-girdle muscular dystrophy type 2Q (LGMDR17). Also called: MUSCULAR DYSTROPHY, LIMB-GIRDLE, AUTOSOMAL RECESSIVE 17. Identifiers: Orphanet 254361, MedGen C3150989, MONDO:0013390, OMIM 613723.
Epidermolysis bullosa simplex, Ogna type (EBS5A). Also called: Pidermolysis bullosa simplex 5A, Ogna type; EPIDERMOLYSIS BULLOSA SIMPLEX 5A, OGNA TYPE. Identifiers: Orphanet 79401, MedGen C0432317, MONDO:0007555, OMIM 131950.
Epidermolysis bullosa simplex 5B, with muscular dystrophy (EBS5B). Also called: EPIDERMOLYSIS BULLOSA SIMPLEX AND LIMB-GIRDLE MUSCULAR DYSTROPHY; Epidermolysis bullosa simplex with muscular dystrophy. Identifiers: Orphanet 257, MedGen C2931072, MONDO:0009181, OMIM 226670.
Epidermolysis bullosa simplex 5C, with pyloric atresia (EBS5C). Also called: PLEC-Related Epidermolysis Bullosa with Pyloric Atresia; Epidermolysis bullosa simplex with pyloric atresia; PLEC1-Related Epidermolysis Bullosa with Pyloric Atresia. Identifiers: Orphanet 158684, MedGen C2677349, MONDO:0012807, OMIM 612138.
Epidermolysis bullosa simplex with nail dystrophy (EBS5D). Identifiers: MedGen C4225309, MONDO:0014661, OMIM 616487.
PLEC-related disorder. Also called: PLEC-related disorders; PLEC-related condition.

Allele frequency attached by ClinVar (database versions not stated): gnomAD exomes 0.00001 and 0.00002; gnomAD 0.00002 and 0.00004; ExAC 0.00003; TOPMed 0.00004; 1000 Genomes Project 0.00040; 1000 Genomes Project 30x 0.00062.

Submissions (2):

PreventionGenetics, part of Exact Sciences
Classification: Uncertain significance for PLEC-related condition. Last evaluated: 2026-08-11. Review status: criteria provided, single submitter. Criteria: ACMG Guidelines, 2015. Collection method: clinical testing. Allele origin: germline.
Comment: The PLEC c.11024C>T variant is predicted to result in the amino acid substitution p.Thr3675Met. To our knowledge, this variant has not been reported in the literature. This variant is reported in 0.012% of alleles in individuals of African descent in gnomAD. At this time, the clinical significance of this variant is uncertain due to the absence of conclusive functional and genetic evidence.

Labcorp Genetics (formerly Invitae), Labcorp
Classification: Uncertain significance for Autosomal recessive limb-girdle muscular dystrophy type 2Q; Epidermolysis bullosa simplex, Ogna type; Epidermolysis bullosa simplex with nail dystrophy; Epidermolysis bullosa simplex 5C, with pyloric atresia; Epidermolysis bullosa simplex 5B, with muscular dystrophy. Last evaluated: 2022-10-24. Review status: criteria provided, single submitter. Criteria: Invitae Variant Classification Sherloc (09022015). Collection method: clinical testing. Allele origin: germline.
Comment: In summary, the available evidence is currently insufficient to determine the role of this variant in disease. Therefore, it has been classified as a Variant of Uncertain Significance. Algorithms developed to predict the effect of missense changes on protein structure and function are either unavailable or do not agree on the potential impact of this missense change (SIFT: "Deleterious"; PolyPhen-2: "Probably Damaging"; Align-GVGD: "Class C15"). ClinVar contains an entry for this variant (Variation ID: 1429306). This variant has not been reported in the literature in individuals affected with PLEC-related conditions. This variant is present in population databases (rs540702524, gnomAD 0.01%). This sequence change replaces threonine, which is neutral and polar, with methionine, which is neutral and non-polar, at codon 3675 of the PLEC protein (p.Thr3675Met).